The following is an entry in ClinVar:

ClinVar aggregate classification (germline): Benign/Likely benign. Review status: criteria provided, multiple submitters, no conflicts (2 of 4 stars). 4 submissions from 4 submitters: Benign (1); Likely benign (3). Last evaluated 2026-07-01.

Conditions:
Sessile serrated polyposis cancer syndrome (SSPCS). Identifiers: Orphanet 157798, MedGen C4310714, MONDO:0014919, OMIM 617108.

Allele frequency attached by ClinVar (database versions not stated): gnomAD 0.00001; gnomAD exomes 0.00001.
gnomAD v4.1: 10 of 1,613,868 alleles (0.00062%); highest among the groups gnomAD compares: Middle Eastern, 0.017%; no homozygotes.

Submissions (4):

Myriad Genetics, Inc.
Classification: Benign for Sessile serrated polyposis cancer syndrome. Last evaluated: 2026-07-01. Review status: criteria provided, single submitter. Criteria: Myriad Autosomal Dominant, Autosomal Recessive and X-Linked Classification Criteria (2023). Collection method: clinical testing. Allele origin: unknown.
Comment: This variant is considered benign. This variant is a silent/synonymous amino acid change and it is not expected to impact splicing.

Center for Genomic Medicine, Rigshospitalet, Copenhagen University Hospital
Classification: Likely benign. Last evaluated: 2025-03-04. Review status: criteria provided, single submitter. Criteria: ACMG Guidelines, 2015. Collection method: clinical testing. Allele origin: germline.

Ambry Genetics
Classification: Likely benign. Last evaluated: 2024-12-29. Review status: criteria provided, single submitter. Criteria: Ambry Variant Classification Scheme 2023. Collection method: clinical testing. Allele origin: germline.

Labcorp Genetics (formerly Invitae), Labcorp
Classification: Likely benign. Last evaluated: 2024-07-11. Review status: criteria provided, single submitter. Criteria: Invitae Variant Classification Sherloc (09022015). Collection method: clinical testing. Allele origin: germline.

NM_017763.6(RNF43):c.1311G>C (p.Arg437=)

Gene: RNF43 (ring finger protein 43; minus strand). Cytogenetic location: 17q22.
Variant type: single nucleotide variant.
Coding change: c.1311G>C on transcript NM_017763.6 (MANE Select); coding-DNA position 1311, G replaced by C.
Protein change: p.Arg437=; no amino-acid change (arginine 437 retained).
Molecular consequence: synonymous variant.
Genome position (GRCh38, 1-based): chr17:58,358,465, C>G on the plus strand (G>C on the coding strand, the complement: RNF43 is on the minus strand). VCF-style: chr17-58358465-C-G. GRCh37 (hg19) VCF-style: chr17-56435826-C-G.
Other names: c.1311G>C (NM_017763.4); c.1311G>C, p.Arg437= (NM_001305544.3); c.930G>C, p.Arg310= (NM_001305545.2).
Identifiers: ClinVar variation 1115937 (VCV001115937.13), dbSNP rs1972751675, ClinGen allele CA501325071.
Genomic context (GRCh38, chr17:58,358,465, plus strand): 5'-GTACCCACTGCGTTCTGTGCAATAGCTTTCTCCAGATCCACTGCTGTCAGGGGGCCTGGC[C>G]CGGCGTAGGGGCACTGGGCAAGCAGCAGGGTGCTGTGAGGTGGATTGGAGGTGGCTCAGT-3'
Protein context (NP_060233.3, residues 427-447): HPAACPVPLR[Arg437=]ARPPDSSGSG